The following is an entry in ClinVar:

ClinVar aggregate classification (germline): Likely benign (1 of 4 stars; one submission).

Allele frequency attached by ClinVar (database versions not stated): 1000 Genomes Project 30x 0.00297; 1000 Genomes Project 0.00300; gnomAD 0.00508 and 0.00518; TOPMed 0.00529.
gnomAD v4.1: 6,246 of 1,204,894 alleles (0.52%); highest among the groups gnomAD compares: Middle Eastern, 1.3%; 32 homozygotes.

Submission:

GeneDx
Classification: Likely benign. Last evaluated: 2018-06-19. Review status: criteria provided, single submitter. Criteria: GeneDx Variant Classification (06012015). Collection method: clinical testing. Allele origin: germline. Affected: yes.
Comment: This variant is considered likely benign or benign based on one or more of the following criteria: it is a conservative change, it occurs at a poorly conserved position in the protein, it is predicted to be benign by multiple in silico algorithms, and/or has population frequency not consistent with disease.

NM_014244.5(ADAMTS2):c.2618-147G>A

Gene: ADAMTS2 (ADAM metallopeptidase with thrombospondin type 1 motif 2; minus strand). Cytogenetic location: 5q35.3.
Variant type: single nucleotide variant.
Coding change: c.2618-147G>A on transcript NM_014244.5 (MANE Select); 147 bases into the intron before coding-DNA position 2618, G replaced by A.
Molecular consequence: intron variant.
Genome position (GRCh38, 1-based): chr5:179,126,277, C>T on the plus strand (G>A on the coding strand, the complement: ADAMTS2 is on the minus strand). VCF-style: chr5-179126277-C-T. GRCh37 (hg19) VCF-style: chr5-178553278-C-T.
Identifiers: ClinVar variation 678534 (VCV000678534.1), dbSNP rs139553138, ClinGen allele CA133030840.